The following is an entry in ClinVar:

NM_000535.7(PMS2):c.1192G>T (p.Glu398Ter)

Gene: PMS2 (PMS1 homolog 2, mismatch repair system component; minus strand). Cytogenetic location: 7p22.1.
Variant type: single nucleotide variant.
Coding change: c.1192G>T on transcript NM_000535.7 (MANE Select); coding-DNA position 1192, G replaced by T.
Protein change: p.Glu398Ter; replaces glutamic acid 398 with a stop codon.
Molecular consequence: nonsense. On other transcripts: non-coding transcript variant (1).
Genome position (GRCh38, 1-based): chr7:5,987,573, C>A on the plus strand (G>T on the coding strand, the complement: PMS2 is on the minus strand). VCF-style: chr7-5987573-C-A. GRCh37 (hg19) VCF-style: chr7-6027204-C-A.
Other names: c.1378G>T, p.Glu460Ter (NM_001406866.1); c.883G>T, p.Glu295Ter (NM_001322015.2, NM_001406875.1, NM_001406877.1 and 5 more transcripts); c.1084G>T, p.Glu362Ter (NM_001406869.1); c.1216G>T, p.Glu406Ter (NM_001406868.1); c.787G>T, p.Glu263Ter (NM_001406899.1, NM_001406908.1, NM_001406910.1 and 17 more transcripts); c.727G>T, p.Glu243Ter (NM_001406900.1); c.718G>T, p.Glu240Ter (NM_001406901.1, NM_001406902.1); c.874G>T, p.Glu292Ter (NM_001406903.1, NM_001322007.2, NM_001322008.2 and 2 more transcripts); and 12 more; short protein forms E240*, E292*, E346*, E87*, E207*, E243*, E342*, E398*.
Identifiers: ClinVar variation 1745348 (VCV001745348.2), dbSNP rs1171400724, ClinGen allele CA366742599.

ClinVar aggregate classification (germline): Pathogenic (1 of 4 stars; one submission).

Conditions:
Hereditary cancer-predisposing syndrome. Also called: Hereditary Cancer Syndrome; Neoplastic Syndromes, Hereditary; Tumor predisposition; Hereditary neoplastic syndrome. Identifiers: Orphanet 140162, MedGen C0027672, MeSH D009386, MONDO:0015356.

Submission:

Ambry Genetics
Classification: Pathogenic for Hereditary cancer-predisposing syndrome. Last evaluated: 2021-06-09. Review status: criteria provided, single submitter. Criteria: Ambry Variant Classification Scheme 2023. Collection method: clinical testing. Allele origin: germline.
Comment: The p.E398* pathogenic mutation (also known as c.1192G>T), located in coding exon 11 of the PMS2 gene, results from a G to T substitution at nucleotide position 1192. This changes the amino acid from a glutamic acid to a stop codon within coding exon 11. This alteration is expected to result in loss of function by premature protein truncation or nonsense-mediated mRNA decay. As such, this alteration is interpreted as a disease-causing mutation.